The following is an entry in ClinVar:

NM_001006658.3(CR2):c.2298G>A (p.Trp766Ter)

Gene: CR2 (complement C3d receptor 2; plus strand). Cytogenetic location: 1q32.2.
Variant type: single nucleotide variant.
Coding change: c.2298G>A on transcript NM_001006658.3 (MANE Select); coding-DNA position 2298, G replaced by A.
Protein change: p.Trp766Ter; replaces tryptophan 766 with a stop codon.
Molecular consequence: nonsense.
Genome position (GRCh38, 1-based): chr1:207,474,298, G>A. VCF-style: chr1-207474298-G-A. GRCh37 (hg19) VCF-style: chr1-207647643-G-A.
Other names: c.2121G>A, p.Trp707Ter (NM_001877.5); short protein forms W766*, W707*.
Identifiers: ClinVar variation 473097 (VCV000473097.77), dbSNP rs151093663, ClinGen allele CA1368944.

ClinVar aggregate classification (germline): Conflicting classifications of pathogenicity. Review status: criteria provided, conflicting classifications (1 of 4 stars). 13 submissions from 13 submitters: Pathogenic (6); Likely pathogenic (5); Uncertain significance (1). 1 of the submissions does not count toward it. Last evaluated 2026-10-01.

Conditions:
CR2-related disorder. Also called: CR2-related disorders; CR2-related condition.
Immunodeficiency, common variable, 7. Identifiers: Orphanet 1572, Orphanet 696894, MedGen C3542922, MONDO:0013862, OMIM 614699.

Allele frequency attached by ClinVar (database versions not stated): 1000 Genomes Project 30x 0.00031; 1000 Genomes Project 0.00040; TOPMed 0.00056; ESP Exome Variant Server 0.00062; gnomAD 0.00063 and 0.00065; gnomAD exomes 0.00075 and 0.00092; ExAC 0.00097.

Submissions (13):

GeneDx
Classification: Pathogenic. Last evaluated: 2026-10-01. Review status: criteria provided, single submitter. Criteria: GeneDx Variant Classification Process June 2021. Collection method: clinical testing. Allele origin: germline.
Comment: Published functional studies suggest a damaging effect on B-cell receptor stimulation (PMID: 22035880); Nonsense variant predicted to result in protein truncation or nonsense mediated decay in a gene for which loss of function is a known mechanism of disease; This variant is associated with the following publications: (PMID: 30075290, Lougaris2020[Review Article], 34426522, Tang2022[case report], 31345219, 22035880, 38817346)

Labcorp Genetics (formerly Invitae), Labcorp
Classification: Pathogenic for Immunodeficiency, common variable, 7. Last evaluated: 2026-01-27. Review status: criteria provided, single submitter. Criteria: Invitae Variant Classification Sherloc (09022015). Collection method: clinical testing. Allele origin: germline.
Comment: This sequence change creates a premature translational stop signal (p.Trp766*) in the CR2 gene. It is expected to result in an absent or disrupted protein product. Loss-of-function variants in CR2 are known to be pathogenic (PMID: 26325596, 28499783). This variant is present in population databases (rs151093663, gnomAD 0.1%), and has an allele count higher than expected for a pathogenic variant. This premature translational stop signal has been observed in individual(s) with hypogammaglobulinemia (PMID: 22035880). ClinVar contains an entry for this variant (Variation ID: 473097). Algorithms developed to predict the effect of variants on gene product structure and function are not available or were not evaluated for this variant. Experimental studies have shown that this premature translational stop signal affects CR2 function (PMID: 22035880). For these reasons, this variant has been classified as Pathogenic.

Variantyx, Inc.
Classification: Pathogenic for Immunodeficiency, common variable, 7. Last evaluated: 2026-01-16. Review status: criteria provided, single submitter. Criteria: Variantyx Assertion Criteria 2022. Collection method: clinical testing. Allele origin: germline. Inheritance: Autosomal recessive inheritance.
Comment: This is a nonsense variant in the CR2 gene (OMIM: 120650). Pathogenic variants in this gene have been associated with autosomal recessive common variable immunodeficiency 7 (provisional association). This variant introduces a premature termination codon in exon 13 out of 20 and it is expected to result in loss of function, which is a known disease mechanism for CR2 in this disorder (PMID: 26325596, 28499783, 38817346) (PVS1). This variant has been reported in the homozygous or compound heterozygous state in at least 2 unrelated affected individuals (PMID: 38817346, 22035880) (PM3). It has a 0.1145% maximum allele frequency in non-founder control populations (PM2_Supporting). Based on the current evidence, this variant is classified as pathogenic for autosomal recessive common variable immunodeficiency 7 (provisional association).

PreventionGenetics, part of Exact Sciences
Classification: Likely pathogenic for CR2-related condition. Last evaluated: 2025-05-16. Review status: criteria provided, single submitter. Criteria: ACMG Guidelines, 2015. Collection method: clinical testing. Allele origin: germline.
Comment: The CR2 c.2298G>A variant is predicted to result in premature protein termination (p.Trp766*). This variant was reported in the compound heterozygous state in an individual with hypogammaglobulinaemia (Thiel et al. 2012. PubMed ID: 22035880). This variant is reported in 0.15% of alleles in individuals of European (Non-Finnish) descent in gnomAD. Loss of function variants in the CR2 gene (also known as CD21) are reported to be causative for autosomal recessive hypogammaglobulinaemia (Wentink et al. 2015. PubMed ID: 26325596; Thiel et al. 2012. PubMed ID: 22035880). This variant is interpreted as likely pathogenic.

Blueprint Genetics
Classification: Likely pathogenic for CR2-related disorders. Last evaluated: 2024-09-10. Review status: criteria provided, single submitter. Criteria: ACMG Guidelines, 2015. Collection method: clinical testing. Allele origin: germline. Affected: yes. Observed: 5 variant alleles.

Mayo Clinic Laboratories, Mayo Clinic
Classification: Pathogenic. Last evaluated: 2024-04-22. Review status: criteria provided, single submitter. Criteria: ACMG Guidelines, 2015. Collection method: clinical testing. Allele origin: germline.
Comment: PP4, PS3_supporting, PS4_supporting, PVS1

Department of Pathology and Laboratory Medicine, Sinai Health System
Classification: Likely pathogenic for immunodeficiency, common variable, 7. Last evaluated: 2022-05-20. Review status: criteria provided, single submitter. Criteria: ACMG Guidelines, 2015. Collection method: research. Allele origin: germline.

AiLife Diagnostics
Classification: Likely pathogenic. Last evaluated: 2022-03-17. Review status: criteria provided, single submitter. Criteria: ACMG Guidelines, 2015. Collection method: clinical testing. Allele origin: germline. Affected: yes. Observed: 1 variant allele.

CeGaT Center for Human Genetics Tuebingen
Classification: Uncertain significance. Last evaluated: 2021-11-01. Review status: criteria provided, single submitter. Criteria: CeGaT Center For Human Genetics Tuebingen Variant Classification Criteria Version 2. Collection method: clinical testing. Allele origin: germline. Affected: yes. Observed: 3 variant alleles.

Revvity Omics, Revvity
Classification: Likely pathogenic for Immunodeficiency, common variable, 7. Last evaluated: 2020-12-15. Review status: criteria provided, single submitter. Criteria: ACMG Guidelines, 2015. Collection method: clinical testing. Allele origin: germline.

Institute of Medical Genetics and Applied Genomics, University Hospital Tübingen
Classification: Pathogenic. Last evaluated: 2020-10-23. Review status: criteria provided, single submitter. Criteria: ACMG Guidelines, 2015. Collection method: clinical testing. Allele origin: germline. Inheritance: Unknown mechanism. Affected: yes.

ARUP Laboratories, Molecular Genetics and Genomics, ARUP Laboratories
Classification: Pathogenic. Last evaluated: 2017-08-11. Review status: criteria provided, single submitter. Criteria: ARUP Molecular Germline Variant Investigation Process. Collection method: clinical testing. Allele origin: germline.
Comment: Additionally, no mRNA expression was found for p.Trp766Ter and carrier mother had reduced copy number of mRNA with this variant. Furthermore, no CD21 expression was found in vitro in 293T cells with p.Trp766Ter variant (Thiel 2012). This variant is listed in the genome Aggregation Database (gnomAD) with a European (Non-Finnish) population frequency of 0.15 percent (identified on 188 out of 126,374 chromosomes including 1 homozygote). Thus, it is conceivable that individuals with milder immunological and clinical phenotype and homozygous loss-of function CR2 variants may have their data included in gnomAD database.

Bioscientia Institut fuer Medizinische Diagnostik GmbH, Sonic Healthcare
Classification: Likely pathogenic for Immunodeficiency, common variable, 7. Last evaluated: 2019-10-23. Review status: no assertion criteria provided. Collection method: clinical testing. Allele origin: germline. Affected: yes. Not counted in ClinVar's aggregate classification.

Literature cited by the submitters: PubMed 26325596 (cited by Labcorp Genetics (formerly Invitae), Labcorp and Variantyx, Inc.); PubMed 28499783 (cited by 3 submitters); PubMed 22035880 (cited by 4 submitters); PubMed 38817346 (cited by Variantyx, Inc.); PubMed 30075290 (cited by Mayo Clinic Laboratories, Mayo Clinic); PubMed 34426522 (cited by AiLife Diagnostics).